The following is an entry in ClinVar:

NM_001370259.2(MEN1):c.1177C>A (p.Gln393Lys)

Gene: MEN1 (menin 1; minus strand). Cytogenetic location: 11q13.1.
Variant type: single nucleotide variant.
Coding change: c.1177C>A on transcript NM_001370259.2 (MANE Select); coding-DNA position 1177, C replaced by A.
Protein change: p.Gln393Lys; replaces glutamine 393 with lysine.
Molecular consequence: missense variant. On other transcripts: non-coding transcript variant (4).
Genome position (GRCh38, 1-based): chr11:64,805,643, G>T on the plus strand (C>A on the coding strand, the complement: MEN1 is on the minus strand). VCF-style: chr11-64805643-G-T. GRCh37 (hg19) VCF-style: chr11-64573115-G-T.
Other names: c.1303C>A, p.Gln435Lys (NM_001407143.1, NM_001407144.1, NM_001370251.2 and 1 more transcripts); c.1192C>A, p.Gln398Lys (NM_001407145.1, NM_130800.3, NM_130801.3 and 4 more transcripts); c.1177C>A, p.Gln393Lys (NM_001407146.1, NM_001407147.1, NM_001407152.1 and 3 more transcripts); c.1072C>A, p.Gln358Lys (NM_001407148.1, NM_001407149.1, NM_001370262.2 and 1 more transcripts); c.1318C>A, p.Gln440Lys (NM_001407150.1); c.1198C>A, p.Gln400Lys (NM_001407151.1); short protein forms Q358K, Q393K, Q440K, Q398K, Q435K, Q400K.
Identifiers: ClinVar variation 4106573 (VCV004106573.1).

ClinVar aggregate classification (germline): Uncertain significance (1 of 4 stars; one submission).

Conditions:
Hereditary cancer-predisposing syndrome. Also called: Tumor predisposition; Neoplastic Syndromes, Hereditary; Hereditary neoplastic syndrome; Hereditary Cancer Syndrome. Identifiers: Orphanet 140162, MedGen C0027672, MeSH D009386, MONDO:0015356.

Submission:

Ambry Genetics
Classification: Uncertain significance for Hereditary cancer-predisposing syndrome. Last evaluated: 2025-08-01. Review status: criteria provided, single submitter. Criteria: Ambry Variant Classification Scheme 2023. Collection method: clinical testing. Allele origin: germline.
Comment: The p.Q393K variant (also known as c.1177C>A), located in coding exon 7 of the MEN1 gene, results from a C to A substitution at nucleotide position 1177. The glutamine at codon 393 is replaced by lysine, an amino acid with similar properties. This amino acid position is conserved. In addition, the in silico prediction for this alteration is inconclusive. Based on the available evidence, the clinical significance of this variant remains unclear.